The following is an entry in ClinVar:

ClinVar aggregate classification (germline): Uncertain significance (1 of 4 stars; one submission).

Conditions:
Polycystic kidney disease, adult type (PKD1). Also called: Polycystic Kidney Disease 1, Autosomal Dominant; Polycystic kidney disease 1; Polycystic kidney disease 1, severe; Polycystic Kidney, Autosomal Dominant; POLYCYSTIC KIDNEY DISEASE 1 WITH OR WITHOUT POLYCYSTIC LIVER DISEASE; POLYCYSTIC KIDNEY DISEASE, ADULT, TYPE I. Identifiers: MedGen C3149841, MONDO:0008263, OMIM 173900.

gnomAD v4.1: 21 of 1,610,578 alleles (0.0013%); highest among the groups gnomAD compares: Middle Eastern, 0.017%; no homozygotes.

Submission:

Victorian Clinical Genetics Services, Murdoch Childrens Research Institute
Classification: Uncertain significance for Polycystic kidney disease, adult type. Last evaluated: 2020-05-25. Review status: criteria provided, single submitter. Criteria: ACMG Guidelines, 2015. Collection method: clinical testing. Allele origin: germline. Inheritance: Autosomal dominant inheritance. Affected: yes.
Comment: Based on the classification scheme VCGS_Germline_v1.1.1, this variant is classified as 3C-VUS. Following criteria are met: 0102 - Loss-of-function is a known mechanism of disease for this gene. (N) 0107 - This gene is known to be associated with autosomal dominant disease. (N) 0112 - Variants in this gene are known to have reduced penetrance (PMID: 29326913). (N) 0200 - Variant is predicted to result in a missense amino acid change from threonine to alanine (exon 45). (N) 0251 - Variant is heterozygous. (N) 0302 - Variant is present in gnomAD <0.001 for a dominant condition (1 heterozygote, 0 homozgotes). (P) 0309 - An alternative amino acid change at the same position to serine has been observed in gnomAD (9 heterozygotes, 0 homozygotes). (N) 0503 - Missense variant consistently predicted to be tolerated or not conserved in mammals with a minor amino acid change. (B) 0504 - Same amino acid change has been observed in mammals. (B) 0600 - Variant is located in an annotated domain or motif (PKD channel; NCBI). (N) 0705 - No comparable variants have previous evidence for pathogenicity. (N) 0807 - Variant has not previously been reported in a clinical context. (N) 0905 - No segregation evidence has been identified for this variant. (N) 1007 - No published functional evidence has been identified for this variant. (N) 1208 - Inheritance information for this variant is not currently available. (N) Legend: (P) - Pathogenic, (N) - Neutral, (B) - Benign

Literature cited by the submitters: PubMed 29326913.

NM_001009944.3(PKD1):c.12205A>G (p.Thr4069Ala)

Gene: PKD1 (polycystin 1, transient receptor potential channel interacting; minus strand). Cytogenetic location: 16p13.3.
Variant type: single nucleotide variant.
Coding change: c.12205A>G on transcript NM_001009944.3 (MANE Select); coding-DNA position 12205, A replaced by G.
Protein change: p.Thr4069Ala; replaces threonine 4069 with alanine.
Molecular consequence: missense variant.
Genome position (GRCh38, 1-based): chr16:2,090,524, T>C on the plus strand (A>G on the coding strand, the complement: PKD1 is on the minus strand). VCF-style: chr16-2090524-T-C. GRCh37 (hg19) VCF-style: chr16-2140525-T-C.
Other names: c.12202A>G, p.Thr4068Ala (NM_000296.4); short protein forms T4068A, T4069A.
Identifiers: ClinVar variation 1805872 (VCV001805872.1), dbSNP rs765414452, ClinGen allele CA394326334.